The following is an entry in ClinVar:

NM_000426.4(LAMA2):c.8222C>T (p.Thr2741Met)

Gene: LAMA2 (laminin subunit alpha 2; plus strand). Cytogenetic location: 6q22.33.
Variant type: single nucleotide variant.
Coding change: c.8222C>T on transcript NM_000426.4 (MANE Select); coding-DNA position 8222, C replaced by T.
Protein change: p.Thr2741Met; replaces threonine 2741 with methionine.
Molecular consequence: missense variant.
Genome position (GRCh38, 1-based): chr6:129,492,461, C>T. VCF-style: chr6-129492461-C-T. GRCh37 (hg19) VCF-style: chr6-129813606-C-T.
Other names: c.8210C>T, p.Thr2737Met (NM_001079823.2); short protein forms T2737M, T2741M.
Identifiers: ClinVar variation 1696954 (VCV001696954.9), dbSNP rs766816598, ClinGen allele CA3994762.
Genomic context (GRCh38, chr6:129,492,461, plus strand): 5'-GAGCAGCTCCAGCTGAAATAGTTATCCAGCCTGAGCCAGTTCCCACCCCAGCCTTTCCTA[C>T]GCCCACCCCAGTTCTGACACATGTAAGTGTTTATATTATCCCCATTGCTTTCTAATTTTT-3'
Protein context (NP_000417.3, residues 2731-2751): PEPVPTPAFP[Thr2741Met]PTPVLTHGPC

ClinVar aggregate classification (germline): Conflicting classifications of pathogenicity. Review status: criteria provided, conflicting classifications (1 of 4 stars). 3 submissions from 3 submitters: Uncertain significance (2); Likely benign (1). Last evaluated 2024-12-02.

Conditions:
LAMA2-related muscular dystrophy (LAMA2-RD). Also called: Laminin alpha 2-related dystrophy. Identifiers: MedGen C5679788, MONDO:0100228.

Allele frequency attached by ClinVar (database versions not stated): ExAC 0.00002; gnomAD exomes 0.00002 and 0.00003; TOPMed 0.00002.
gnomAD v4.1: 22 of 1,611,360 alleles (0.0014%); highest among the groups gnomAD compares: Middle Eastern, 0.017%; no homozygotes.

Submissions (3):

Labcorp Genetics (formerly Invitae), Labcorp
Classification: Likely benign for LAMA2-related muscular dystrophy. Last evaluated: 2024-12-02. Review status: criteria provided, single submitter. Criteria: Invitae Variant Classification Sherloc (09022015). Collection method: clinical testing. Allele origin: germline.

Revvity Omics, Revvity
Classification: Uncertain significance. Last evaluated: 2024-04-10. Review status: criteria provided, single submitter. Criteria: ACMG Guidelines, 2015. Collection method: clinical testing. Allele origin: germline.

GeneDx
Classification: Uncertain significance. Last evaluated: 2024-04-06. Review status: criteria provided, single submitter. Criteria: GeneDx Variant Classification Process June 2021. Collection method: clinical testing. Allele origin: germline. Affected: yes.
Comment: In silico analysis supports that this missense variant does not alter protein structure/function; Has not been previously published as pathogenic or benign to our knowledge